The following is an entry in ClinVar:

ClinVar aggregate classification (germline): Likely benign. Review status: criteria provided, multiple submitters, no conflicts (2 of 4 stars). 2 submissions from 2 submitters: Likely benign (2). Last evaluated 2025-12-15.

Conditions:
Christianson syndrome (MRXSCH). Also called: SLC9A6-Related Syndromic Mental Retardation; X-linked mental retardation, syndromic, Christianson type; INTELLECTUAL DEVELOPMENTAL DISORDER, X-LINKED, SYNDROMIC, CHRISTIANSON TYPE. Identifiers: Orphanet 85278, MedGen C2678194, MONDO:0010278, OMIM 300243.

Allele frequency attached by ClinVar (database versions not stated): TOPMed 0.00002; gnomAD 0.00002.

Submissions (2):

Labcorp Genetics (formerly Invitae), Labcorp
Classification: Likely benign for Christianson syndrome. Last evaluated: 2025-12-15. Review status: criteria provided, single submitter. Criteria: Invitae Variant Classification Sherloc (09022015). Collection method: clinical testing. Allele origin: germline.

GeneDx
Classification: Likely benign. Last evaluated: 2018-04-04. Review status: criteria provided, single submitter. Criteria: GeneDx Variant Classification (06012015). Collection method: clinical testing. Allele origin: germline. Affected: yes.
Comment: This variant is considered likely benign or benign based on one or more of the following criteria: it is a conservative change, it occurs at a poorly conserved position in the protein, it is predicted to be benign by multiple in silico algorithms, and/or has population frequency not consistent with disease.

NM_001379110.1(SLC9A6):c.1581+17G>A

Gene: SLC9A6 (solute carrier family 9 member A6; plus strand). Cytogenetic location: Xq26.3.
Variant type: single nucleotide variant.
Coding change: c.1581+17G>A on transcript NM_001379110.1 (MANE Select); 17 bases into the intron after coding-DNA position 1581, G replaced by A.
Molecular consequence: intron variant.
Genome position (GRCh38, 1-based): chrX:136,030,179, G>A. VCF-style: chrX-136030179-G-A. GRCh37 (hg19) VCF-style: chrX-135112338-G-A.
Other names: c.1647+17G>A (NM_001042537.2); c.1551+17G>A (NM_006359.3); c.1491+17G>A (NM_001177651.2); c.1395+17G>A (NM_001330652.2).
Identifiers: ClinVar variation 681439 (VCV000681439.6), dbSNP rs917623322, ClinGen allele CA336249220.